The following is an entry in ClinVar:

ClinVar aggregate classification (germline): Uncertain significance. Review status: criteria provided, multiple submitters, no conflicts (2 of 4 stars). 2 submissions from 2 submitters: Uncertain significance (2). Last evaluated 2026-01-27.

Conditions:
Inborn genetic diseases. Identifiers: MedGen C0950123, MeSH D030342.
Combined immunodeficiency due to LRBA deficiency. Also called: Common variable immunodeficiency 8, with autoimmunity. Identifiers: Orphanet 445018, MedGen C3553512, MONDO:0013863, OMIM 614700.

Allele frequency attached by ClinVar (database versions not stated): TOPMed below 0.00001; gnomAD exomes 0.00001.
gnomAD v4.1: 13 of 1,614,108 alleles (0.00081%); highest among the groups gnomAD compares: Non-Finnish European, 0.0011%; no homozygotes.

Submissions (2):

Labcorp Genetics (formerly Invitae), Labcorp
Classification: Uncertain significance for Combined immunodeficiency due to LRBA deficiency. Last evaluated: 2026-01-27. Review status: criteria provided, single submitter. Criteria: Invitae Variant Classification Sherloc (09022015). Collection method: clinical testing. Allele origin: germline.
Comment: This sequence change replaces aspartic acid, which is acidic and polar, with glycine, which is neutral and non-polar, at codon 64 of the LRBA protein (p.Asp64Gly). This variant is not present in population databases (gnomAD no frequency). This variant has not been reported in the literature in individuals affected with LRBA-related conditions. ClinVar contains an entry for this variant (Variation ID: 650506). Invitae Evidence Modeling of protein sequence and biophysical properties (such as structural, functional, and spatial information, amino acid conservation, physicochemical variation, residue mobility, and thermodynamic stability) has been performed for this missense variant. However, the output from this modeling did not meet the statistical confidence thresholds required to predict the impact of this variant on LRBA protein function. In summary, the available evidence is currently insufficient to determine the role of this variant in disease. Therefore, it has been classified as a Variant of Uncertain Significance.

Ambry Genetics
Classification: Uncertain significance for Inborn genetic diseases. Last evaluated: 2024-09-10. Review status: criteria provided, single submitter. Criteria: Ambry Variant Classification Scheme 2023. Collection method: clinical testing. Allele origin: germline.

NM_001364905.1(LRBA):c.191A>G (p.Asp64Gly)

Gene: LRBA (LPS responsive beige-like anchor protein; minus strand). Cytogenetic location: 4q31.3.
Variant type: single nucleotide variant.
Coding change: c.191A>G on transcript NM_001364905.1 (MANE Select); coding-DNA position 191, A replaced by G.
Protein change: p.Asp64Gly; replaces aspartic acid 64 with glycine.
Molecular consequence: missense variant.
Genome position (GRCh38, 1-based): chr4:151,014,452, T>C on the plus strand (A>G on the coding strand, the complement: LRBA is on the minus strand). VCF-style: chr4-151014452-T-C. GRCh37 (hg19) VCF-style: chr4-151935604-T-C.
Other names: c.191A>G, p.Asp64Gly (NM_001199282.3, NM_001367550.1, NM_006726.5); short protein forms D64G.
Identifiers: ClinVar variation 650506 (VCV000650506.8), dbSNP rs1579508366, ClinGen allele CA358610774.
Genomic context (GRCh38, chr4:151,014,452, plus strand): 5'-AAGAGTATATGCTTATAAAATATTCATGGACTTACCAGGTTAAAGACAGTTTCTACAATA[T>C]CCCTATTGGATACTTCTCCAACTTCAACCAAACCGGTCAACACGGCAAATTTCATTCTGA-3'
Protein context (NP_001351834.1, residues 54-74): LVEVGEVSNR[Asp64Gly]IVETVFNLLV